The following is an entry in ClinVar:

NM_000396.4(CTSK):c.103_105del (p.Lys35del)

Gene: CTSK (cathepsin K; minus strand). Cytogenetic location: 1q21.3.
Variant type: Deletion.
Coding change: c.103_105del on transcript NM_000396.4 (MANE Select); coding-DNA positions 103 to 105, 3 bases deleted (AAG; older notation c.103_105delAAG).
Protein change: p.Lys35del; deletes lysine 35.
Molecular consequence: inframe deletion.
Genome position (GRCh38, 1-based): chr1:150,806,701-150,806,703, CTT deleted on the plus strand (AAG on the coding strand, the reverse complement: CTSK is on the minus strand); deleting any 3 consecutive bases within chr1:150,806,701-150,806,704 gives the same sequence; the c. name uses the placement nearest the transcript's 3' end. VCF-style (leftmost placement, unchanged base first): chr1-150806700-GCTT-G. GRCh37 (hg19) VCF-style: chr1-150779176-GCTT-G.
Other names: short protein forms K35del.
Identifiers: ClinVar variation 841146 (VCV000841146.4), dbSNP rs763148656, ClinGen allele CA1080587.

ClinVar aggregate classification (germline): Uncertain significance. Review status: criteria provided, multiple submitters, no conflicts (2 of 4 stars). 2 submissions from 2 submitters: Uncertain significance (2). Last evaluated 2024-04-09.

Submissions (2):

Blueprint Genetics
Classification: Uncertain significance. Last evaluated: 2024-04-09. Review status: criteria provided, single submitter. Criteria: ACMG Guidelines, 2015. Collection method: clinical testing. Allele origin: germline.

Labcorp Genetics (formerly Invitae), Labcorp
Classification: Uncertain significance. Last evaluated: 2022-01-14. Review status: criteria provided, single submitter. Criteria: Invitae Variant Classification Sherloc (09022015). Collection method: clinical testing. Allele origin: germline.
Comment: This variant, c.103_105del, results in the deletion of 1 amino acid(s) of the CTSK protein (p.Lys35del), but otherwise preserves the integrity of the reading frame. This variant is present in population databases (rs763148656, gnomAD 0.1%). This variant has not been reported in the literature in individuals affected with CTSK-related conditions. ClinVar contains an entry for this variant (Variation ID: 841146). Experimental studies and prediction algorithms are not available or were not evaluated, and the functional significance of this variant is currently unknown. In summary, the available evidence is currently insufficient to determine the role of this variant in disease. Therefore, it has been classified as a Variant of Uncertain Significance.